The following is an entry in ClinVar:

NM_001371596.2(MFSD8):c.1040T>C (p.Val347Ala)

Gene: MFSD8 (major facilitator superfamily domain containing 8; minus strand). Cytogenetic location: 4q28.2.
Variant type: single nucleotide variant.
Coding change: c.1040T>C on transcript NM_001371596.2 (MANE Select); coding-DNA position 1040, T replaced by C.
Protein change: p.Val347Ala; replaces valine 347 with alanine.
Molecular consequence: missense variant.
Genome position (GRCh38, 1-based): chr4:127,921,922, A>G on the plus strand (T>C on the coding strand, the complement: MFSD8 is on the minus strand). VCF-style: chr4-127921922-A-G. GRCh37 (hg19) VCF-style: chr4-128843077-A-G.
Other names: c.839T>C, p.Val280Ala (NM_001363520.3); c.725T>C, p.Val242Ala (NM_001363521.3); c.905T>C, p.Val302Ala (NM_001371590.2); c.1040T>C, p.Val347Ala (NM_001371591.2, NM_152778.4); c.1046T>C, p.Val349Ala (NM_001371592.2); c.926T>C, p.Val309Ala (NM_001371593.2); c.893T>C, p.Val298Ala (NM_001371594.2); c.758T>C, p.Val253Ala (NM_001371595.1); and 1 more; short protein forms V253A, V280A, V349A, V298A, V309A, V242A, V302A, V347A.
Identifiers: ClinVar variation 943332 (VCV000943332.6), dbSNP rs1331862351, ClinGen allele CA358171944.

ClinVar aggregate classification (germline): Uncertain significance. Review status: criteria provided, single submitter (1 of 4 stars). 2 submissions from 2 submitters: Uncertain significance (1). 1 of the submissions does not count toward it. Last evaluated 2022-08-23.

Conditions:
Late-infantile neuronal ceroid lipofuscinosis. Also called: Jansky-Bielschowsky disease. Identifiers: MedGen C0022340, MONDO:0015674.
Neuronal ceroid lipofuscinosis 7 (CLN7). Also called: MFSD8-Related Neuronal Ceroid-Lipofuscinosis. Identifiers: Orphanet 168491, Orphanet 228366, MedGen C1838571, MONDO:0012588, OMIM 610951.

Allele frequency attached by ClinVar (database versions not stated): gnomAD exomes 0.00001.
gnomAD v4.1: 4 of 1,614,194 alleles (0.00025%); highest among the groups gnomAD compares: Admixed American, 0.005%; no homozygotes.

Submissions (2):

Labcorp Genetics (formerly Invitae), Labcorp
Classification: Uncertain significance for Neuronal ceroid lipofuscinosis 7. Last evaluated: 2022-08-23. Review status: criteria provided, single submitter. Criteria: Invitae Variant Classification Sherloc (09022015). Collection method: clinical testing. Allele origin: germline.
Comment: This sequence change replaces valine, which is neutral and non-polar, with alanine, which is neutral and non-polar, at codon 347 of the MFSD8 protein (p.Val347Ala). This variant is present in population databases (no rsID available, gnomAD 0.009%). This variant has not been reported in the literature in individuals affected with MFSD8-related conditions. ClinVar contains an entry for this variant (Variation ID: 943332). Algorithms developed to predict the effect of missense changes on protein structure and function (SIFT, PolyPhen-2, Align-GVGD) all suggest that this variant is likely to be tolerated. In summary, the available evidence is currently insufficient to determine the role of this variant in disease. Therefore, it has been classified as a Variant of Uncertain Significance.

Natera, Inc.
Classification: Uncertain significance for Late-infantile neuronal ceroid lipofuscinosis. Last evaluated: 2020-01-04. Review status: no assertion criteria provided. Collection method: clinical testing. Allele origin: germline. Not counted in ClinVar's aggregate classification.